The following is an entry in ClinVar:

NM_000487.6(ARSA):c.736C>T (p.Arg246Cys)

Gene: ARSA (arylsulfatase A; minus strand). Cytogenetic location: 22q13.33.
Variant type: single nucleotide variant.
Coding change: c.736C>T on transcript NM_000487.6 (MANE Select); coding-DNA position 736, C replaced by T.
Protein change: p.Arg246Cys; replaces arginine 246 with cysteine.
Molecular consequence: missense variant.
Genome position (GRCh38, 1-based): chr22:50,626,709, G>A on the plus strand (C>T on the coding strand, the complement: ARSA is on the minus strand). VCF-style: chr22-50626709-G-A. GRCh37 (hg19) VCF-style: chr22-51065137-G-A.
Other names: R244C; c.736C>T, p.Arg246Cys (NM_001085425.3, NM_001085426.3, NM_001085427.3); c.478C>T, p.Arg160Cys (NM_001085428.3, NM_001362782.2); short protein forms R246C, R160C.
Identifiers: ClinVar variation 3073 (VCV000003073.27), dbSNP rs74315470, ClinGen allele CA278034.

ClinVar aggregate classification (germline): Pathogenic/Likely pathogenic. Review status: criteria provided, multiple submitters, no conflicts (2 of 4 stars). 10 submissions from 10 submitters: Pathogenic (6); Likely pathogenic (2). 2 of the submissions do not count toward it. Last evaluated 2026-06-12.

Conditions:
ARSA-related disorder. Also called: ARSA-related condition.
Metachromatic leukodystrophy (MLD). Also called: ARSA DEFICIENCY; CEREBROSIDE SULFATASE DEFICIENCY; SULFATIDE LIPIDOSIS; Arylsulfatase A Deficiency; Cerebral sclerosis diffuse metachromatic form; METACHROMATIC LEUKOENCEPHALOPATHY. Identifiers: Orphanet 512, MedGen C0023522, MONDO:0018868, OMIM 250100.
Metachromatic leukodystrophy, juvenile type. Also called: Metachromatic leukodystrophy, juvenile form. Identifiers: Orphanet 309263, MedGen C0751276, MONDO:0009591.

Allele frequency attached by ClinVar (database versions not stated): gnomAD exomes 0.00003 and 0.00001; TOPMed 0.00001; ExAC 0.00002.
gnomAD v4.1: 42 of 1,613,986 alleles (0.0026%); highest among the groups gnomAD compares: Non-Finnish European, 0.0033%; no homozygotes.

Submissions (11):

Victorian Clinical Genetics Services, Murdoch Childrens Research Institute
Classification: Pathogenic for Metachromatic leukodystrophy. Last evaluated: 2026-06-12. Review status: criteria provided, single submitter. Criteria: ACMG Guidelines, 2015. Collection method: clinical testing. Allele origin: germline. Affected: yes.
Comment: This variant is classified as Pathogenic. Evidence in support of pathogenic classification: Variant is present in gnomAD <0.01 for a recessive condition (v4: 42 heterozygote(s), 0 homozygote(s)); This variant has strong previous evidence of pathogenicity in unrelated individuals. This variant has been classified as pathogenic or likely pathogenic by multiple clinical laboratories in ClinVar, and has been reported in the literature in individuals with metachromatic leukodystrophy (PMIDs: 33855715, 24001781); Other missense variants comparable to the one identified in this case have moderate previous evidence for pathogenicity. p.(Arg246His) has been classified as pathogenic or likely pathogenic by multiple clinical laboratories in Clinvar. p.(Arg246Leu) has been classified as likely pathogenic and as a VUS by clinical laboratories in ClinVar; Missense variant predicted to be damaging by in silico tool(s) or highly conserved with a major amino acid change. Additional information: Variant is predicted to result in a missense amino acid change from Arg to Cys; This variant is heterozygous; This gene is associated with autosomal recessive disease; Alternative amino acid change(s) at the same position are present in gnomAD (highest allele count: v4: 20 heterozygote(s), 0 homozygote(s)); Variant is not located in an established domain, motif, hotspot or informative constraint region (DECIPHER); Loss of function is a known mechanism of disease in this gene and is associated with metachromatic leukodystrophy (MIM#250100); Inheritance information for this variant is not currently available in this individual.

Labcorp Genetics (formerly Invitae), Labcorp
Classification: Pathogenic for Metachromatic leukodystrophy. Last evaluated: 2026-01-20. Review status: criteria provided, single submitter. Criteria: Invitae Variant Classification Sherloc (09022015). Collection method: clinical testing. Allele origin: germline.
Comment: This sequence change replaces arginine, which is basic and polar, with cysteine, which is neutral and slightly polar, at codon 246 of the ARSA protein (p.Arg246Cys). This variant is present in population databases (rs74315470, gnomAD 0.002%). This missense change has been observed in individual(s) with metachromatic leukodystrophy (PMID: 22993277, 24001781, 26462614, 28670130). This variant is also known as p.Arg244Cys. ClinVar contains an entry for this variant (Variation ID: 3073). Invitae Evidence Modeling of protein sequence and biophysical properties (such as structural, functional, and spatial information, amino acid conservation, physicochemical variation, residue mobility, and thermodynamic stability) indicates that this missense variant is expected to disrupt ARSA protein function with a positive predictive value of 95%. This variant disrupts the p.Arg246 amino acid residue in ARSA. Other variant(s) that disrupt this residue have been determined to be pathogenic (PMID: 9090526, 22993277, 25965562, 26462614). This suggests that this residue is clinically significant, and that variants that disrupt this residue are likely to be disease-causing. For these reasons, this variant has been classified as Pathogenic.

Natera, Inc.
Classification: Pathogenic for Metachromatic leukodystrophy. Last evaluated: 2025-09-15. Review status: criteria provided, single submitter. Criteria: Natera Variant Classification Schema (03/2026). Collection method: clinical testing. Allele origin: germline.
Comment: The c.736C>T variant in ARSA is a missense variant predicted to cause substitution of arginine to cysteine at amino acid 246. This variant is rare in the general population with a frequency below the threshold expected for the associated phenotype(s). This variant has been observed in one or more individuals affected with the associated recessive disease, as either homozygous or compound heterozygous with a second variant (PMID: 28670130, 26000324, 32632536, 26462614, 19815439, 9090526). A different variant at the same position has been determined to be Pathogenic or Likely Pathogenic. Computational prediction algorithms indicate this variant is likely to affect gene or protein function. Given the available evidence, this variant is classified as Pathogenic.

Variantyx, Inc.
Classification: Likely pathogenic for Metachromatic leukodystrophy. Last evaluated: 2025-06-17. Review status: criteria provided, single submitter. Criteria: Variantyx Assertion Criteria 2022. Collection method: clinical testing. Allele origin: germline. Inheritance: Autosomal recessive inheritance. Affected: no.
Comment: This is a nonsynonymous variant in the ARSA gene (OMIM: 607574). Pathogenic variants in this gene have been associated with autosomal recessive metachromatic leukodystrophy. This variant has been identified in the homozygous or compound heterozygous state in at least 4 individuals reported in the published literature (PMID: 26462614, 32632536, 34554397, 22993277) (PM3). Multiple computational algorithms predict a deleterious effect for this variant (REVEL score: 0.936) (PP3), and an alternate amino acid change at this position (p.Arg246His) has been previously reported in similarly affected individuals, which suggests that this residue is biologically important (PMID: 9090526, 22993277) (PM5). This variant has a 0.0033% maximum allele frequency in non-founder control populations (PM2). Based on the current evidence, this variant is classified as likely pathogenic for autosomal recessive metachromatic leukodystrophy.

Blueprint Genetics
Classification: Pathogenic for ARSA-related disorders. Last evaluated: 2024-10-17. Review status: criteria provided, single submitter. Criteria: ACMG Guidelines, 2015. Collection method: clinical testing. Allele origin: germline. Affected: yes. Observed: 5 variant alleles.

Molecular Genetics, Royal Melbourne Hospital
Classification: Pathogenic for Metachromatic leukodystrophy, juvenile type. Last evaluated: 2022-12-23. Review status: criteria provided, single submitter. Criteria: ACMG Guidelines, 2015. Collection method: clinical testing. Allele origin: germline.
Comment: This sequence change in ARSA is predicted to replace arginine with cysteine at codon 246, p.(Arg246Cys) (historically described as c.730C>T p.Arg244Cys). The arginine residue is highly conserved (94/94 vertebrates, UCSC), and is located in the sulfatase domain. There is a large physicochemical difference between arginine and cysteine. The highest population minor allele frequency in the population database gnomAD v2.1 is 0.002% (2/113,422 alleles) in the European (non-Finnish) population, which is consistent with a recessive disease. This variant has been detected in the homozygous and compound heterozygous state with a second pathogenic allele in multiple individuals with arylsulfatase A (ASA) deficiency. The phenotype was mainly late-infantile or juvenile metachromatic leukodystrophy (PMID: 9090526, 16966551, 19815439, 22993277, 26462614, 36240581). At least one patient with this variant displayed very low ASA activity in leukocytes and abnormally high sulfatide excretion in urine, which is highly specific for ASA deficiency (PMID: 22993277). Multiple lines of computational evidence predict a deleterious effect for the missense substitution (5/5 algorithms). Another missense variant (c.737G>A p.Arg246His) in the same codon with a smaller physicochemical difference has been classified as likely pathogenic for ASA deficiency (PMID: 26462614, 9090526, 22993277, 25965562). Based on the classification scheme RMH Modified ACMG Guidelines v1.5.1, this variant is classified as PATHOGENIC. Following criteria are met: PM3_VeryStrong, PM5, PP3, PP4.

Revvity Omics, Revvity
Classification: Likely pathogenic for Metachromatic leukodystrophy. Last evaluated: 2019-10-29. Review status: criteria provided, single submitter. Criteria: ACMG Guidelines, 2015. Collection method: clinical testing. Allele origin: germline.

Neuberg Centre For Genomic Medicine, NCGM
Classification: Pathogenic for Metachromatic leukodystrophy. Review status: criteria provided, single submitter. Criteria: ACMG Guidelines, 2015. Collection method: clinical testing. Allele origin: germline. Inheritance: Autosomal recessive inheritance. Affected: yes.
Comment: The missense variant c.736C>T (p.Arg246Cys) in ARSA gene has been observed in individuals affected with metachromatic leukodystrophy (Luzi P et.al.,2013). This variant has been reported to the ClinVar database as Pathogenic. The p.Arg246Cys variant is novel (not in any individuals) in 1000 Genomes and allele frequency of 0.0007967% is reported in gnomAD. The amino acid Arg at position 246 is changed to a Cys changing protein sequence and it might alter its composition and physico-chemical properties. The variant is predicted to be damaging by both SIFT and PolyPhen2. The residue is conserved across species. The amino acid change p.Arg246Cys in ARSA is predicted as conserved by GERP++ and PhyloP across 100 vertebrates. For these reasons, this variant has been classified as Pathogenic .

OMIM
Classification: Pathogenic for METACHROMATIC LEUKODYSTROPHY. Last evaluated: 2018-11-07. Review status: no assertion criteria provided. Collection method: literature only. Allele origin: germline. Not counted in ClinVar's aggregate classification.

Counsyl
Classification: Likely pathogenic for Metachromatic leukodystrophy. Last evaluated: 2014-06-19. Review status: no assertion criteria provided. Collection method: literature only. Allele origin: unknown. Inheritance: Autosomal recessive inheritance. Not counted in ClinVar's aggregate classification.

Gelb Laboratory, University of Washington
No classification provided (evidence only). Condition: Metachromatic leukodystrophy. Review status: no classification provided. Collection method: in vitro. Allele origin: not applicable. Functional consequence: loss of function. Not counted in ClinVar's aggregate classification.

Literature cited by the submitters: PubMed 24001781 (cited by 3 submitters); PubMed 33855715 (cited by Victorian Clinical Genetics Services, Murdoch Childrens Research Institute); PubMed 22993277 (cited by 4 submitters); PubMed 26462614 (cited by 4 submitters); PubMed 28670130 (cited by Labcorp Genetics (formerly Invitae), Labcorp and Natera, Inc.); PubMed 9090526 (cited by 5 submitters); PubMed 25965562 (cited by Labcorp Genetics (formerly Invitae), Labcorp and Molecular Genetics, Royal Melbourne Hospital); PubMed 26000324 (cited by Natera, Inc.); PubMed 32632536 (cited by Natera, Inc. and Variantyx, Inc.); PubMed 19815439 (cited by 3 submitters); PubMed 34554397 (cited by Variantyx, Inc.); PubMed 16966551 (cited by Molecular Genetics, Royal Melbourne Hospital and Counsyl); PubMed 36240581 (cited by Molecular Genetics, Royal Melbourne Hospital); PubMed 1671769 (cited by OMIM); PubMed 16546179 (cited by Counsyl); PubMed 7866401 (cited by Counsyl); PubMed 22216298 (cited by Counsyl).